The following is an entry in ClinVar:

ClinVar aggregate classification (germline): Uncertain significance (1 of 4 stars; one submission).

Submission:

Labcorp Genetics (formerly Invitae), Labcorp
Classification: Uncertain significance. Last evaluated: 2023-09-10. Review status: criteria provided, single submitter. Criteria: Invitae Variant Classification Sherloc (09022015). Collection method: clinical testing. Allele origin: germline.
Comment: This variant is not present in population databases (gnomAD no frequency). This sequence change replaces threonine, which is neutral and polar, with serine, which is neutral and polar, at codon 1357 of the SETBP1 protein (p.Thr1357Ser). In summary, the available evidence is currently insufficient to determine the role of this variant in disease. Therefore, it has been classified as a Variant of Uncertain Significance. Advanced modeling of protein sequence and biophysical properties (such as structural, functional, and spatial information, amino acid conservation, physicochemical variation, residue mobility, and thermodynamic stability) performed at Invitae indicates that this missense variant is not expected to disrupt SETBP1 protein function. This variant has not been reported in the literature in individuals affected with SETBP1-related conditions.

NM_015559.3(SETBP1):c.4070C>G (p.Thr1357Ser)

Gene: SETBP1 (SET binding protein 1; plus strand). Cytogenetic location: 18q12.3.
Variant type: single nucleotide variant.
Coding change: c.4070C>G on transcript NM_015559.3 (MANE Select); coding-DNA position 4070, C replaced by G.
Protein change: p.Thr1357Ser; replaces threonine 1357 with serine.
Molecular consequence: missense variant. On other transcripts: intron variant (1).
Genome position (GRCh38, 1-based): chr18:45,038,554, C>G. VCF-style: chr18-45038554-C-G. GRCh37 (hg19) VCF-style: chr18-42618519-C-G.
Other names: c.4070C>G, p.Thr1357Ser (NM_001379141.1, NM_001379142.1); c.4001-24525C>G (NM_001410862.1); short protein forms T1357S.
Identifiers: ClinVar variation 2759485 (VCV002759485.3), dbSNP rs2511319932, ClinGen allele CA402482454.